The following is an entry in ClinVar:

ClinVar aggregate classification (germline): Uncertain significance (1 of 4 stars; one submission).

Conditions:
VPS13B-related disorder. Also called: VPS13B-related condition.

Submission:

PreventionGenetics, part of Exact Sciences
Classification: Uncertain significance for VPS13B-related condition. Last evaluated: 2024-10-17. Review status: criteria provided, single submitter. Criteria: ACMG Guidelines, 2015. Collection method: clinical testing. Allele origin: germline.
Comment: The VPS13B c.9085A>C variant is predicted to result in the amino acid substitution p.Lys3029Gln. To our knowledge, this variant has not been reported in the literature or in a large population database (gnomAD), indicating this variant is rare. At this time, the clinical significance of this variant is uncertain due to the absence of conclusive functional and genetic evidence.

NM_152564.5(VPS13B):c.9085A>C (p.Lys3029Gln)

Gene: VPS13B (vacuolar protein sorting 13 homolog B; plus strand). Cytogenetic location: 8q22.2.
Variant type: single nucleotide variant.
Coding change: c.9085A>C on transcript NM_152564.5 (MANE Select); coding-DNA position 9085, A replaced by C.
Protein change: p.Lys3029Gln; replaces lysine 3029 with glutamine.
Molecular consequence: missense variant.
Genome position (GRCh38, 1-based): chr8:99,821,384, A>C. VCF-style: chr8-99821384-A-C. GRCh37 (hg19) VCF-style: chr8-100833612-A-C.
Other names: c.9160A>C, p.Lys3054Gln (NM_017890.5); short protein forms K3029Q, K3054Q.
Identifiers: ClinVar variation 5001049 (VCV005001049.1).